The following is an entry in ClinVar:

NM_016373.4(WWOX):c.410G>T (p.Gly137Val)

Gene: WWOX (WW domain containing oxidoreductase; plus strand). Cytogenetic location: 16q23.1.
Variant type: single nucleotide variant.
Coding change: c.410G>T on transcript NM_016373.4 (MANE Select); coding-DNA position 410, G replaced by T.
Protein change: p.Gly137Val; replaces glycine 137 with valine.
Molecular consequence: missense variant. On other transcripts: non-coding transcript variant (1).
Genome position (GRCh38, 1-based): chr16:78,164,183, G>T. VCF-style: chr16-78164183-G-T. GRCh37 (hg19) VCF-style: chr16-78198080-G-T.
Other names: c.71G>T, p.Gly24Val (NM_001291997.2); c.410G>T, p.Gly137Val (NM_130791.5); short protein forms G137V, G24V.
Identifiers: ClinVar variation 635056 (VCV000635056.1), dbSNP rs761879076, ClinGen allele CA396841496.

ClinVar aggregate classification (germline): Uncertain significance (1 of 4 stars; one submission).

Conditions:
Developmental and epileptic encephalopathy, 28 (DEE28). Also called: Epileptic encephalopathy, early infantile, 28. Identifiers: Orphanet 442835, MedGen C4015519, MONDO:0014533, OMIM 616211.

gnomAD v4.1: 1 of 1,613,708 alleles (0.000062%); highest among the groups gnomAD compares: Non-Finnish European, 0.000085%; no homozygotes.

Submission:

Broad Center for Mendelian Genomics, Broad Institute of MIT and Harvard
Classification: Uncertain significance for Developmental and epileptic encephalopathy, 28. Last evaluated: 2018-06-15. Review status: criteria provided, single submitter. Criteria: ACMG Guidelines, 2015. Collection method: research. Allele origin: germline. Inheritance: Autosomal recessive inheritance. Affected: yes.
Comment: This variant was absent from large population studies. The Glycine (Gly) at position 137 is highly conserved in mammals and evolutionarily distant species, raising the possibility that a change at this position may not be tolerated. Computational prediction tools suggest that this variant may impact the protein, though this information is not predictive enough to determine pathogenicity. In summary, the clinical significance of this variant is uncertain.